The following is an entry in ClinVar:

ClinVar aggregate classification (germline): Uncertain significance. Review status: criteria provided, multiple submitters, no conflicts (2 of 4 stars). 3 submissions from 3 submitters: Uncertain significance (3). Last evaluated 2024-10-02.

Conditions:
Fanconi anemia (FA). Also called: Fanconi's anemia. Identifiers: Orphanet 84, MedGen C0015625, MeSH D005199, MONDO:0019391.
Inborn genetic diseases. Identifiers: MedGen C0950123, MeSH D030342.

Allele frequency attached by ClinVar (database versions not stated): gnomAD exomes below 0.00001.
gnomAD v4.1: 1 of 1,613,122 alleles (0.000062%); highest among the groups gnomAD compares: Non-Finnish European, 0.000085%; no homozygotes.

Submissions (3):

Ambry Genetics
Classification: Uncertain significance for Inborn genetic diseases. Last evaluated: 2024-10-02. Review status: criteria provided, single submitter. Criteria: Ambry Variant Classification Scheme 2023. Collection method: clinical testing. Allele origin: germline.
Comment: The p.S1970R variant (also known as c.5910T>G), located in coding exon 22 of the FANCM gene, results from a T to G substitution at nucleotide position 5910. The serine at codon 1970 is replaced by arginine, an amino acid with dissimilar properties. This amino acid position is conserved. In addition, this alteration is predicted to be tolerated by in silico analysis. Based on the available evidence, the clinical significance of this variant remains unclear.

Labcorp Genetics (formerly Invitae), Labcorp
Classification: Uncertain significance for Fanconi anemia. Last evaluated: 2023-09-01. Review status: criteria provided, single submitter. Criteria: Invitae Variant Classification Sherloc (09022015). Collection method: clinical testing. Allele origin: germline.
Comment: Algorithms developed to predict the effect of sequence changes on RNA splicing suggest that this variant may disrupt the consensus splice site. In summary, the available evidence is currently insufficient to determine the role of this variant in disease. Therefore, it has been classified as a Variant of Uncertain Significance. Algorithms developed to predict the effect of missense changes on protein structure and function output the following: SIFT: "Not Available"; PolyPhen-2: "Benign"; Align-GVGD: "Not Available". The arginine amino acid residue is found in multiple mammalian species, which suggests that this missense change does not adversely affect protein function. ClinVar contains an entry for this variant (Variation ID: 1312532). This variant has not been reported in the literature in individuals affected with FANCM-related conditions. This variant is not present in population databases (gnomAD no frequency). This sequence change replaces serine, which is neutral and polar, with arginine, which is basic and polar, at codon 1970 of the FANCM protein (p.Ser1970Arg).

GeneDx
Classification: Uncertain significance. Last evaluated: 2020-02-24. Review status: criteria provided, single submitter. Criteria: GeneDx Variant Classification Process June 2021. Collection method: clinical testing. Allele origin: germline. Affected: yes.
Comment: Not observed in large population cohorts (Lek 2016); In silico analysis supports that this missense variant does not alter protein structure/function; Has not been previously published as pathogenic or benign to our knowledge

NM_020937.4(FANCM):c.5910T>G (p.Ser1970Arg)

Gene: FANCM (FA complementation group M; plus strand). Cytogenetic location: 14q21.2.
Variant type: single nucleotide variant.
Coding change: c.5910T>G on transcript NM_020937.4 (MANE Select); coding-DNA position 5910, T replaced by G.
Protein change: p.Ser1970Arg; replaces serine 1970 with arginine.
Molecular consequence: missense variant.
Genome position (GRCh38, 1-based): chr14:45,198,837, T>G. VCF-style: chr14-45198837-T-G. GRCh37 (hg19) VCF-style: chr14-45668040-T-G.
Other names: c.5832T>G, p.Ser1944Arg (NM_001308133.2); short protein forms S1944R, S1970R.
Identifiers: ClinVar variation 1312532 (VCV001312532.6), dbSNP rs2139329050, ClinGen allele CA389587330.